The following is an entry in ClinVar:

ClinVar aggregate classification (germline): Uncertain significance (1 of 4 stars; one submission).

Allele frequency attached by ClinVar (database versions not stated): gnomAD exomes below 0.00001; TOPMed below 0.00001.

Submission:

Labcorp Genetics (formerly Invitae), Labcorp
Classification: Uncertain significance. Last evaluated: 2025-03-24. Review status: criteria provided, single submitter. Criteria: Invitae Variant Classification Sherloc (09022015). Collection method: clinical testing. Allele origin: germline.
Comment: This sequence change replaces lysine, which is basic and polar, with asparagine, which is neutral and polar, at codon 42 of the RP1 protein (p.Lys42Asn). This variant is present in population databases (no rsID available, gnomAD 0.007%). This variant has not been reported in the literature in individuals affected with RP1-related conditions. ClinVar contains an entry for this variant (Variation ID: 1496117). An algorithm developed to predict the effect of missense changes on protein structure and function (PolyPhen-2) suggests that this variant is likely to be disruptive. In summary, the available evidence is currently insufficient to determine the role of this variant in disease. Therefore, it has been classified as a Variant of Uncertain Significance.

NM_006269.2(RP1):c.126G>C (p.Lys42Asn)

Gene: RP1 (RP1 axonemal microtubule associated; plus strand). Cytogenetic location: 8q12.1.
Variant type: single nucleotide variant.
Coding change: c.126G>C on transcript NM_006269.2 (MANE Select); coding-DNA position 126, G replaced by C.
Protein change: p.Lys42Asn; replaces lysine 42 with asparagine.
Molecular consequence: missense variant.
Genome position (GRCh38, 1-based): chr8:54,621,092, G>C. VCF-style: chr8-54621092-G-C. GRCh37 (hg19) VCF-style: chr8-55533652-G-C.
Other names: c.126G>C, p.Lys42Asn (NM_001375654.1); short protein forms K42N.
Identifiers: ClinVar variation 1496117 (VCV001496117.8), dbSNP rs1161761797, ClinGen allele CA370985599.